The following is an entry in ClinVar:

ClinVar aggregate classification (germline): Likely pathogenic. Review status: criteria provided, single submitter (1 of 4 stars). 2 submissions from 2 submitters: Likely pathogenic (1). 1 of the submissions does not count toward it. Last evaluated 2022-07-16.

Conditions:
Charcot-Marie-Tooth disease axonal type 2T. Identifiers: Orphanet 443950, MedGen C4015635, OMIM 617017, MONDO:0014866.

gnomAD v4.1: 1 of 1,610,284 alleles (0.000062%); highest among the groups gnomAD compares: Non-Finnish European, 0.000085%; no homozygotes.

Submissions (2):

Kariminejad - Najmabadi Pathology & Genetics Center
Classification: Likely pathogenic for Charcot-Marie-Tooth disease axonal type 2T. Last evaluated: 2022-07-16. Review status: criteria provided, single submitter. Criteria: ACMG Guidelines, 2015. Collection method: clinical testing. Allele origin: germline. Inheritance: Autosomal recessive inheritance. Affected: yes.
Comment: PVS1 PM2

Next Generation Genetic Polyclinic
Classification: Likely pathogenic for Charcot-Marie-Tooth disease axonal type 2T. Review status: no assertion criteria provided. Collection method: clinical testing. Allele origin: inherited. Affected: yes. Not counted in ClinVar's aggregate classification.

NM_007289.4(MME):c.2081G>A (p.Trp694Ter)

Gene: MME (membrane metalloendopeptidase; plus strand). Cytogenetic location: 3q25.2.
Variant type: single nucleotide variant.
Coding change: c.2081G>A on transcript NM_007289.4 (MANE Select); coding-DNA position 2081, G replaced by A.
Protein change: p.Trp694Ter; replaces tryptophan 694 with a stop codon.
Molecular consequence: nonsense.
Genome position (GRCh38, 1-based): chr3:155,172,540, G>A. VCF-style: chr3-155172540-G-A. GRCh37 (hg19) VCF-style: chr3-154890329-G-A.
Other names: c.2081G>A, p.Trp694Ter (NM_000902.5, NM_001354642.2, NM_001354643.1 and 2 more transcripts); short protein forms W694*.
Identifiers: ClinVar variation 3896916 (VCV003896916.2).